The following is an entry in ClinVar:

ClinVar aggregate classification (germline): Benign. Review status: criteria provided, multiple submitters, no conflicts (2 of 4 stars). 2 submissions from 2 submitters: Benign (2). Last evaluated 2018-06-14.

Allele frequency attached by ClinVar (database versions not stated): 1000 Genomes Project 0.13478; 1000 Genomes Project 30x 0.13929; gnomAD 0.14230; TOPMed 0.15262.
gnomAD v4.1: 21,876 of 152,158 alleles (14%); highest among the groups gnomAD compares: African/African-American, 30%; 2,271 homozygotes.

Submissions (2):

GeneDx
Classification: Benign. Last evaluated: 2018-06-14. Review status: criteria provided, single submitter. Criteria: GeneDx Variant Classification (06012015). Collection method: clinical testing. Allele origin: germline. Affected: yes.
Comment: This variant is considered likely benign or benign based on one or more of the following criteria: it is a conservative change, it occurs at a poorly conserved position in the protein, it is predicted to be benign by multiple in silico algorithms, and/or has population frequency not consistent with disease.

Breakthrough Genomics
Classification: Benign. Review status: criteria provided, single submitter. Criteria: ACMG Guidelines, 2015. Collection method: not provided. Allele origin: germline. Inheritance: Autosomal recessive inheritance. Affected: yes.

NM_000257.4(MYH7):c.3973-250C>T

Gene: MYH7 (myosin heavy chain 7; minus strand). Cytogenetic location: 14q11.2.
Variant type: single nucleotide variant.
Coding change: c.3973-250C>T on transcript NM_000257.4 (MANE Select); 250 bases into the intron before coding-DNA position 3973, C replaced by T.
Molecular consequence: intron variant.
Genome position (GRCh38, 1-based): chr14:23,418,656, G>A on the plus strand (C>T on the coding strand, the complement: MYH7 is on the minus strand). VCF-style: chr14-23418656-G-A. GRCh37 (hg19) VCF-style: chr14-23887865-G-A.
Identifiers: ClinVar variation 667670 (VCV000667670.2), dbSNP rs10136106, ClinGen allele CA257814152.